The following is an entry in ClinVar:

NM_006343.3(MERTK):c.1417A>C (p.Ser473Arg)

Gene: MERTK (MER proto-oncogene, tyrosine kinase; plus strand). Cytogenetic location: 2q13.
Variant type: single nucleotide variant.
Coding change: c.1417A>C on transcript NM_006343.3 (MANE Select); coding-DNA position 1417, A replaced by C.
Protein change: p.Ser473Arg; replaces serine 473 with arginine.
Molecular consequence: missense variant.
Genome position (GRCh38, 1-based): chr2:111,994,371, A>C. VCF-style: chr2-111994371-A-C. GRCh37 (hg19) VCF-style: chr2-112751948-A-C.
Other names: short protein forms S473R.
Identifiers: ClinVar variation 3666574 (VCV003666574.2).

ClinVar aggregate classification (germline): Uncertain significance (1 of 4 stars; one submission).

gnomAD v4.1: 2 of 1,614,208 alleles (0.00012%); highest among the groups gnomAD compares: Non-Finnish European, 0.00017%; no homozygotes.

Submission:

Labcorp Genetics (formerly Invitae), Labcorp
Classification: Uncertain significance. Last evaluated: 2024-12-24. Review status: criteria provided, single submitter. Criteria: Invitae Variant Classification Sherloc (09022015). Collection method: clinical testing. Allele origin: germline.
Comment: This sequence change replaces serine, which is neutral and polar, with arginine, which is basic and polar, at codon 473 of the MERTK protein (p.Ser473Arg). This variant is present in population databases (no rsID available, gnomAD 0.0009%). This variant has not been reported in the literature in individuals affected with MERTK-related conditions. Invitae Evidence Modeling of protein sequence and biophysical properties (such as structural, functional, and spatial information, amino acid conservation, physicochemical variation, residue mobility, and thermodynamic stability) indicates that this missense variant is expected to disrupt MERTK protein function with a positive predictive value of 80%. In summary, the available evidence is currently insufficient to determine the role of this variant in disease. Therefore, it has been classified as a Variant of Uncertain Significance.